The following is an entry in ClinVar:

NM_015072.5(TTLL5):c.1969C>T (p.Pro657Ser)

Gene: TTLL5 (tubulin tyrosine ligase like 5; plus strand). Cytogenetic location: 14q24.3.
Variant type: single nucleotide variant.
Coding change: c.1969C>T on transcript NM_015072.5 (MANE Select); coding-DNA position 1969, C replaced by T.
Protein change: p.Pro657Ser; replaces proline 657 with serine.
Molecular consequence: missense variant.
Genome position (GRCh38, 1-based): chr14:75,766,322, C>T. VCF-style: chr14-75766322-C-T. GRCh37 (hg19) VCF-style: chr14-76232665-C-T.
Other names: c.1969C>T (NM_015072.4); short protein forms P657S.
Identifiers: ClinVar variation 1061011 (VCV001061011.8), dbSNP rs150120928, ClinGen allele CA7279561.

ClinVar aggregate classification (germline): Uncertain significance. Review status: criteria provided, multiple submitters, no conflicts (2 of 4 stars). 3 submissions from 3 submitters: Uncertain significance (3). Last evaluated 2026-08-30.

Conditions:
TTLL5-related disorder. Also called: TTLL5-related condition.

Allele frequency attached by ClinVar (database versions not stated): gnomAD exomes 0.00006; ExAC 0.00007; 1000 Genomes Project 30x 0.00016; 1000 Genomes Project 0.00020; TOPMed 0.00028; ESP Exome Variant Server 0.00031; gnomAD 0.00036 and 0.00039.
gnomAD v4.1: 85 of 1,613,700 alleles (0.0053%); highest among the groups gnomAD compares: African/African-American, 0.1%; 1 homozygote.

Submissions (3):

PreventionGenetics, part of Exact Sciences
Classification: Uncertain significance for TTLL5-related condition. Last evaluated: 2026-08-30. Review status: criteria provided, single submitter. Criteria: ACMG Guidelines, 2015. Collection method: clinical testing. Allele origin: germline.
Comment: The TTLL5 c.1969C>T variant is predicted to result in the amino acid substitution p.Pro657Ser. To our knowledge, this variant has not been reported in the literature. This variant is reported in 0.11% of alleles in individuals of African descent in gnomAD, which may be too frequent to be a primary cause of disease. Although we suspect that this variant may be benign, at this time, the clinical significance of this variant is uncertain due to the absence of conclusive functional and genetic evidence.

Labcorp Genetics (formerly Invitae), Labcorp
Classification: Uncertain significance. Last evaluated: 2024-11-04. Review status: criteria provided, single submitter. Criteria: Invitae Variant Classification Sherloc (09022015). Collection method: clinical testing. Allele origin: germline.
Comment: This sequence change replaces proline, which is neutral and non-polar, with serine, which is neutral and polar, at codon 657 of the TTLL5 protein (p.Pro657Ser). This variant is present in population databases (rs150120928, gnomAD 0.1%). This variant has not been reported in the literature in individuals affected with TTLL5-related conditions. ClinVar contains an entry for this variant (Variation ID: 1061011). Invitae Evidence Modeling of protein sequence and biophysical properties (such as structural, functional, and spatial information, amino acid conservation, physicochemical variation, residue mobility, and thermodynamic stability) indicates that this missense variant is not expected to disrupt TTLL5 protein function with a negative predictive value of 80%. In summary, the available evidence is currently insufficient to determine the role of this variant in disease. Therefore, it has been classified as a Variant of Uncertain Significance.

Blueprint Genetics
Classification: Uncertain significance. Last evaluated: 2022-11-18. Review status: criteria provided, single submitter. Criteria: ACMG Guidelines, 2015. Collection method: clinical testing. Allele origin: germline.